The following is an entry in ClinVar:

ClinVar aggregate classification (germline): Uncertain significance (1 of 4 stars; one submission).

gnomAD v4.1: 6 of 1,613,926 alleles (0.00037%); highest among the groups gnomAD compares: Non-Finnish European, 0.00051%; no homozygotes.

Submission:

Women's Health and Genetics/Laboratory Corporation of America, LabCorp
Classification: Uncertain significance. Last evaluated: 2025-07-21. Review status: criteria provided, single submitter. Criteria: LabCorp Variant Classification Summary - May 2015. Collection method: clinical testing. Allele origin: germline.
Comment: Variant summary: MLC1 c.253T>C (p.Cys85Arg) results in a non-conservative amino acid change in the encoded protein sequence. Algorithms developed to predict the effect of missense changes on protein structure and function all suggest that this variant is likely to be disruptive. The variant was absent in 251138 control chromosomes (gnomAD). To our knowledge, no occurrence of c.253T>C in individuals affected with Megalencephalic Leukoencephalopathy With Subcortical Cysts 1 and no experimental evidence demonstrating its impact on protein function have been reported. A different variant affecting the same codon has been classified as likely pathogenic by our lab (c.255T>G, p.Cys85Trp), supporting the critical relevance of codon 85 to MLC1 protein function. No submitters have cited clinical-significance assessments for this variant to ClinVar. Based on the evidence outlined above, the variant was classified as VUS-possibly pathogenic.

NM_015166.4(MLC1):c.253T>C (p.Cys85Arg)

Genes: MLC1 (modulator of VRAC current 1; minus strand), LOC125446261 (Sharpr-MPRA regulatory region 9327; plus strand). Cytogenetic location: 22q13.33.
Variant type: single nucleotide variant.
Coding change: c.253T>C on transcript NM_015166.4 (MANE Select); coding-DNA position 253, T replaced by C.
Protein change: p.Cys85Arg; replaces cysteine 85 with arginine.
Molecular consequence: missense variant. On other transcripts: non-coding transcript variant (3), intron variant (1).
Genome position (GRCh38, 1-based): chr22:50,083,098, A>G on the plus strand (T>C on the coding strand, the complement: MLC1 is on the minus strand). VCF-style: chr22-50083098-A-G. GRCh37 (hg19) VCF-style: chr22-50521527-A-G.
Other names: c.253T>C, p.Cys85Arg (NM_001376472.1, NM_001376473.1, NM_001376474.1 and 9 more transcripts); c.16T>C, p.Cys6Arg (NM_001376484.1); c.177+1628T>C (NM_001376480.1); short protein forms C6R, C85R.
Identifiers: ClinVar variation 4525730 (VCV004525730.1).